The following is an entry in ClinVar:

ClinVar aggregate classification (germline): Uncertain significance (1 of 4 stars; one submission).

Allele frequency attached by ClinVar (database versions not stated): gnomAD exomes below 0.00001; gnomAD 0.00001; TOPMed 0.00002.
gnomAD v4.1: 2 of 1,612,424 alleles (0.00012%); highest among the groups gnomAD compares: Non-Finnish European, 0.00017%; no homozygotes.

Submission:

Ambry Genetics
Classification: Uncertain significance. Last evaluated: 2024-07-21. Review status: criteria provided, single submitter. Criteria: Ambry Variant Classification Scheme 2023. Collection method: clinical testing. Allele origin: germline.
Comment: The p.Q1918R variant (also known as c.5753A>G), located in coding exon 17 of the POLQ gene, results from an A to G substitution at nucleotide position 5753. The glutamine at codon 1918 is replaced by arginine, an amino acid with highly similar properties. This amino acid position is conserved. In addition, this alteration is predicted to be tolerated by in silico analysis. Since supporting evidence is limited at this time, the clinical significance of this alteration remains unclear.

NM_199420.4(POLQ):c.5753A>G (p.Gln1918Arg)

Gene: POLQ (DNA polymerase theta; minus strand). Cytogenetic location: 3q13.33.
Variant type: single nucleotide variant.
Coding change: c.5753A>G on transcript NM_199420.4 (MANE Select); coding-DNA position 5753, A replaced by G.
Protein change: p.Gln1918Arg; replaces glutamine 1918 with arginine.
Molecular consequence: missense variant.
Genome position (GRCh38, 1-based): chr3:121,485,061, T>C on the plus strand (A>G on the coding strand, the complement: POLQ is on the minus strand). VCF-style: chr3-121485061-T-C. GRCh37 (hg19) VCF-style: chr3-121203908-T-C.
Other names: short protein forms Q1918R.
Identifiers: ClinVar variation 1749444 (VCV001749444.3), dbSNP rs1231575043, ClinGen allele CA354088977.